The following is an entry in ClinVar:

NM_001184.4(ATR):c.1595T>C (p.Ile532Thr)

Gene: ATR (ATR checkpoint kinase; minus strand). Cytogenetic location: 3q23.
Variant type: single nucleotide variant.
Coding change: c.1595T>C on transcript NM_001184.4 (MANE Select); coding-DNA position 1595, T replaced by C.
Protein change: p.Ile532Thr; replaces isoleucine 532 with threonine.
Molecular consequence: missense variant.
Genome position (GRCh38, 1-based): chr3:142,559,388, A>G on the plus strand (T>C on the coding strand, the complement: ATR is on the minus strand). VCF-style: chr3-142559388-A-G. GRCh37 (hg19) VCF-style: chr3-142278230-A-G.
Other names: c.1403T>C, p.Ile468Thr (NM_001354579.2); short protein forms I468T, I532T.
Identifiers: ClinVar variation 3221055 (VCV003221055.1), dbSNP rs2108480264, ClinGen allele CA354822372.

ClinVar aggregate classification (germline): Uncertain significance (1 of 4 stars; one submission).

Conditions:
Inborn genetic diseases. Identifiers: MedGen C0950123, MeSH D030342.

Submission:

Ambry Genetics
Classification: Uncertain significance for Inborn genetic diseases. Last evaluated: 2023-10-27. Review status: criteria provided, single submitter. Criteria: Ambry Variant Classification Scheme 2023. Collection method: clinical testing. Allele origin: germline.
Comment: The p.I532T variant (also known as c.1595T>C), located in coding exon 7 of the ATR gene, results from a T to C substitution at nucleotide position 1595. The isoleucine at codon 532 is replaced by threonine, an amino acid with similar properties. This amino acid position is conserved. In addition, this alteration is predicted to be tolerated by in silico analysis. Since supporting evidence is limited at this time, the clinical significance of this alteration remains unclear.